The following is an entry in ClinVar:

ClinVar aggregate classification (germline): Conflicting classifications of pathogenicity. Review status: criteria provided, conflicting classifications (1 of 4 stars). 2 submissions from 2 submitters: Uncertain significance (1); Likely benign (1). Last evaluated 2025-09-27.

Conditions:
Inborn genetic diseases. Identifiers: MedGen C0950123, MeSH D030342.

Allele frequency attached by ClinVar (database versions not stated): gnomAD exomes 0.00001; TOPMed 0.00001; ExAC 0.00002.

Submissions (2):

Labcorp Genetics (formerly Invitae), Labcorp
Classification: Uncertain significance. Last evaluated: 2025-09-27. Review status: criteria provided, single submitter. Criteria: Invitae Variant Classification Sherloc (09022015). Collection method: clinical testing. Allele origin: germline.
Comment: This sequence change replaces arginine, which is basic and polar, with tryptophan, which is neutral and slightly polar, at codon 271 of the ASXL1 protein (p.Arg271Trp). This variant is present in population databases (rs748649917, gnomAD 0.006%). This variant has not been reported in the literature in individuals affected with ASXL1-related conditions. ClinVar contains an entry for this variant (Variation ID: 2909006). An algorithm developed to predict the effect of missense changes on protein structure and function (PolyPhen-2) suggests that this variant is likely to be disruptive. In summary, the available evidence is currently insufficient to determine the role of this variant in disease. Therefore, it has been classified as a Variant of Uncertain Significance.

Ambry Genetics
Classification: Likely benign for Inborn genetic diseases. Last evaluated: 2024-11-18. Review status: criteria provided, single submitter. Criteria: Ambry Variant Classification Scheme 2023. Collection method: clinical testing. Allele origin: germline.

NM_015338.6(ASXL1):c.811C>T (p.Arg271Trp)

Gene: ASXL1 (ASXL transcriptional regulator 1; plus strand). Cytogenetic location: 20q11.21.
Variant type: single nucleotide variant.
Coding change: c.811C>T on transcript NM_015338.6 (MANE Select); coding-DNA position 811, C replaced by T.
Protein change: p.Arg271Trp; replaces arginine 271 with tryptophan.
Molecular consequence: missense variant.
Genome position (GRCh38, 1-based): chr20:32,431,413, C>T. VCF-style: chr20-32431413-C-T. GRCh37 (hg19) VCF-style: chr20-31019216-C-T.
Other names: c.628C>T, p.Arg210Trp (NM_001363734.1); short protein forms R271W, R210W.
Identifiers: ClinVar variation 2909006 (VCV002909006.4), dbSNP rs748649917, ClinGen allele CA9808202.